The following is an entry in ClinVar:

NM_014927.5(CNKSR2):c.958-5A>G

Gene: CNKSR2 (connector enhancer of kinase suppressor of Ras 2; plus strand). Cytogenetic location: Xp22.12.
Variant type: single nucleotide variant.
Coding change: c.958-5A>G on transcript NM_014927.5 (MANE Select); 5 bases into the intron before coding-DNA position 958, A replaced by G.
Molecular consequence: intron variant.
Genome position (GRCh38, 1-based): chrX:21,526,862, A>G. VCF-style: chrX-21526862-A-G. GRCh37 (hg19) VCF-style: chrX-21544980-A-G.
Other names: c.958-5A>G (NM_001168647.3, NM_001168648.3, NM_001330773.2); c.811-5A>G (NM_001330770.2, NM_001330772.2, NM_001168649.3 and 1 more transcripts).
Identifiers: ClinVar variation 3146489 (VCV003146489.1), dbSNP rs2519082024, ClinGen allele CA2825002901.

ClinVar aggregate classification (germline): Uncertain significance (1 of 4 stars; one submission).

Conditions:
Inborn genetic diseases. Identifiers: MedGen C0950123, MeSH D030342.

Submission:

Ambry Genetics
Classification: Uncertain significance for Inborn genetic diseases. Last evaluated: 2023-10-13. Review status: criteria provided, single submitter. Criteria: Ambry Variant Classification Scheme 2023. Collection method: clinical testing. Allele origin: germline.
Comment: The c.958-5A>G intronic alteration results from a A to G substitution 5 nucleotides before coding exon 10 in the CNKSR2 gene. This variant was not reported in population-based cohorts in the Genome Aggregation Database (gnomAD). This nucleotide position is highly conserved in available vertebrate species. In silico splice site analysis predicts that this alteration will result in the creation or strengthening of a novel splice acceptor site. Based on insufficient or conflicting evidence, the clinical significance of this alteration remains unclear.